The following is an entry in ClinVar:

NM_021930.6(RINT1):c.32C>T (p.Pro11Leu)

Gene: RINT1 (RAD50 interactor 1; plus strand). Cytogenetic location: 7q22.3.
Variant type: single nucleotide variant.
Coding change: c.32C>T on transcript NM_021930.6 (MANE Select); coding-DNA position 32, C replaced by T.
Protein change: p.Pro11Leu; replaces proline 11 with leucine.
Molecular consequence: missense variant. On other transcripts: 5 prime UTR variant (4), non-coding transcript variant (1).
Genome position (GRCh38, 1-based): chr7:105,532,347, C>T. VCF-style: chr7-105532347-C-T. GRCh37 (hg19) VCF-style: chr7-105172794-C-T.
Other names: c.-66C>T (NM_001346599.2); c.-988C>T (NM_001346600.2); c.-891C>T (NM_001346601.2); c.-511C>T (NM_001346603.2); short protein forms P11L.
Identifiers: ClinVar variation 4863312 (VCV004863312.1).

ClinVar aggregate classification (germline): Uncertain significance (1 of 4 stars; one submission).

gnomAD v4.1: 1 of 1,600,924 alleles (0.000062%); no homozygotes.

Submission:

Ambry Genetics
Classification: Uncertain significance. Last evaluated: 2026-05-28. Review status: criteria provided, single submitter. Criteria: Ambry Variant Classification Scheme 2023. Collection method: clinical testing. Allele origin: germline.
Comment: The p.P11L variant (also known as c.32C>T), located in coding exon 1 of the RINT1 gene, results from a C to T substitution at nucleotide position 32. The proline at codon 11 is replaced by leucine, an amino acid with similar properties. This amino acid position is conserved. In addition, this alteration is predicted to be tolerated by in silico analysis. Based on the available evidence, the clinical significance of this variant remains unclear.